The following is an entry in ClinVar:

NM_194454.3(KRIT1):c.659dup (p.Leu220fs)

Gene: KRIT1 (KRIT1 ankyrin repeat containing; minus strand). Cytogenetic location: 7q21.2.
Variant type: Duplication.
Coding change: c.659dup on transcript NM_194454.3 (MANE Select); coding-DNA position 659, one base duplicated (T; older notation c.659dupT).
Protein change: p.Leu220fs; shifts the reading frame from leucine 220.
Molecular consequence: frameshift variant. On other transcripts: intron variant (1).
Genome position (GRCh38, 1-based): chr7:92,235,473, A duplicated on the plus strand (T on the coding strand, the reverse complement: KRIT1 is on the minus strand); the first of 2 consecutive A bases (chr7:92,235,473-92,235,474); duplicating either gives the same sequence. VCF-style (leftmost placement, unchanged base first): chr7-92235472-T-TA. GRCh37 (hg19) VCF-style: chr7-91864786-T-TA.
Other names: c.659dup, p.Leu220fs (NM_001013406.2, NM_001350669.1, NM_001350670.1 and 29 more transcripts); c.15+61dup (NM_001350671.1); c.659dupT (NM_194456.1); short protein forms L220fs.
Identifiers: ClinVar variation 660376 (VCV000660376.7), dbSNP rs1584981589, ClinGen allele CA915945343.
Genomic context (GRCh38, chr7:92,235,472, plus strand): 5'-ATACTGAAGATCTGATCCAAACAAAGGGTTGTAAATACAGGTATCTGCTTTCTCTAGGGC[T>TA]AACATTTTACTCTTTATTTCTAGTGCACTATAGCCCATATGTAGTGAGTTTTCTGTCTGA-3'

ClinVar aggregate classification (germline): Pathogenic (1 of 4 stars; one submission).

Conditions:
Cerebral cavernous malformation (CCM). Also called: Cavernous Hemangioma of Brain; Cerebral cavernous hemangioma (type); Cerebral cavernous malformations; CAVERNOUS ANGIOMA, FAMILIAL; CAVERNOUS ANGIOMATOUS MALFORMATIONS; CEREBRAL CAPILLARY MALFORMATIONS. Identifiers: Orphanet 221061, MedGen C2919945, MONDO:0000820, OMIM 116860, HP:0033522.

Submission:

Labcorp Genetics (formerly Invitae), Labcorp
Classification: Pathogenic for Cerebral cavernous malformation. Last evaluated: 2018-10-09. Review status: criteria provided, single submitter. Criteria: Invitae Variant Classification Sherloc (09022015). Collection method: clinical testing. Allele origin: germline.
Comment: For these reasons, this variant has been classified as Pathogenic. Loss-of-function variants in KRIT1 are known to be pathogenic (PMID: 10508515, 11222804, 12404106). This variant has not been reported in the literature in individuals with KRIT1-related disease. This variant is not present in population databases (ExAC no frequency). This sequence change creates a premature translational stop signal (p.Leu220Phefs*27) in the KRIT1 gene. It is expected to result in an absent or disrupted protein product.

Literature cited by the submitters: PubMed 10508515; PubMed 11222804; PubMed 12404106.